The following is an entry in ClinVar:

ClinVar aggregate classification (germline): Likely benign. Review status: criteria provided, multiple submitters, no conflicts (2 of 4 stars). 5 submissions from 5 submitters: Likely benign (5). Last evaluated 2026-01-28.

Conditions:
Wilson disease (WND). Also called: Wilson's disease. Identifiers: Orphanet 905, MedGen C0019202, MONDO:0010200, OMIM 277900. Disease mechanism: loss of function.
Inborn genetic diseases. Identifiers: MedGen C0950123, MeSH D030342.

Allele frequency attached by ClinVar (database versions not stated): gnomAD exomes 0.00001; gnomAD 0.00002; TOPMed 0.00003; ESP Exome Variant Server 0.00008.
gnomAD v4.1: 15 of 1,614,094 alleles (0.00093%); highest among the groups gnomAD compares: Non-Finnish European, 0.0012%; no homozygotes.

Submissions (5):

Labcorp Genetics (formerly Invitae), Labcorp
Classification: Likely benign for Wilson disease. Last evaluated: 2026-01-28. Review status: criteria provided, single submitter. Criteria: Invitae Variant Classification Sherloc (09022015). Collection method: clinical testing. Allele origin: germline.

All of Us Research Program, National Institutes of Health
Classification: Likely benign for Wilson disease. Last evaluated: 2024-08-13. Review status: criteria provided, single submitter. Criteria: ACMG Guidelines, 2015. Collection method: clinical testing. Allele origin: germline. Inheritance: Autosomal recessive inheritance. Observed: 5 variant alleles, 5 heterozygotes.
Comment: This study involves interpretation of variants in research participants for the purpose of population health screening. Participant phenotype was not available at the time of variant classification. Additional details can be found in publication PMID: 35346344, PMCID: PMC8962531

ARUP Laboratories, Molecular Genetics and Genomics, ARUP Laboratories
Classification: Likely benign for Wilson disease. Last evaluated: 2023-09-05. Review status: criteria provided, single submitter. Criteria: ARUP Molecular Germline Variant Investigation Process 2024. Collection method: clinical testing. Allele origin: germline.

Color Diagnostics, LLC DBA Color Health
Classification: Likely benign for Wilson disease. Last evaluated: 2023-04-21. Review status: criteria provided, single submitter. Criteria: ACMG Guidelines, 2015. Collection method: clinical testing. Allele origin: germline.

Ambry Genetics
Classification: Likely benign for Inborn genetic diseases. Last evaluated: 2023-03-03. Review status: criteria provided, single submitter. Criteria: Ambry Variant Classification Scheme 2023. Collection method: clinical testing. Allele origin: germline.

NM_000053.4(ATP7B):c.396C>T (p.Ser132=)

Gene: ATP7B (ATPase copper transporting beta; minus strand). Cytogenetic location: 13q14.3.
Variant type: single nucleotide variant.
Coding change: c.396C>T on transcript NM_000053.4 (MANE Select); coding-DNA position 396, C replaced by T.
Protein change: p.Ser132=; no amino-acid change (serine 132 retained).
Molecular consequence: synonymous variant.
Genome position (GRCh38, 1-based): chr13:51,974,824, G>A on the plus strand (C>T on the coding strand, the complement: ATP7B is on the minus strand). VCF-style: chr13-51974824-G-A. GRCh37 (hg19) VCF-style: chr13-52548960-G-A.
Other names: c.396C>T, p.Ser132= (NM_001330578.2, NM_001330579.2, NM_001005918.3 and 1 more transcripts); c.396C>T (NM_000053.3).
Identifiers: ClinVar variation 1539674 (VCV001539674.11), dbSNP rs377081763, ClinGen allele CA250067617.